The following is an entry in ClinVar:

NM_017617.5(NOTCH1):c.68G>C (p.Arg23Pro)

Gene: NOTCH1 (notch receptor 1; minus strand). Cytogenetic location: 9q34.3.
Variant type: single nucleotide variant.
Coding change: c.68G>C on transcript NM_017617.5 (MANE Select); coding-DNA position 68, G replaced by C.
Protein change: p.Arg23Pro; replaces arginine 23 with proline.
Molecular consequence: missense variant.
Genome position (GRCh38, 1-based): chr9:136,544,096, C>G on the plus strand (G>C on the coding strand, the complement: NOTCH1 is on the minus strand). VCF-style: chr9-136544096-C-G. GRCh37 (hg19) VCF-style: chr9-139438548-C-G.
Other names: short protein forms R23P.
Identifiers: ClinVar variation 1435812 (VCV001435812.10), dbSNP rs869025260, ClinGen allele CA375579313.

ClinVar aggregate classification (germline): Uncertain significance. Review status: criteria provided, multiple submitters, no conflicts (2 of 4 stars). 2 submissions from 2 submitters: Uncertain significance (2). Last evaluated 2022-06-14.

Conditions:
Familial thoracic aortic aneurysm and aortic dissection (TAAD). Also called: Thoracic aortic aneurysms and dissections. Identifiers: Orphanet 91387, MedGen C4707243, MONDO:0019625.
Adams-Oliver syndrome 5 (AOS5). Identifiers: Orphanet 974, MedGen C4014970, MONDO:0014459, OMIM 616028.

Allele frequency attached by ClinVar (database versions not stated): gnomAD exomes below 0.00001 and 0.00001.
gnomAD v4.1: 2 of 1,574,272 alleles (0.00013%); highest among the groups gnomAD compares: Non-Finnish European, 0.00017%; no homozygotes.

Submissions (2):

Ambry Genetics
Classification: Uncertain significance for Familial thoracic aortic aneurysm and aortic dissection. Last evaluated: 2022-06-14. Review status: criteria provided, single submitter. Criteria: Ambry Variant Classification Scheme 2023. Collection method: clinical testing. Allele origin: germline.
Comment: The p.R23P variant (also known as c.68G>C), located in coding exon 2 of the NOTCH1 gene, results from a G to C substitution at nucleotide position 68. The arginine at codon 23 is replaced by proline, an amino acid with dissimilar properties. This amino acid position is conserved. In addition, the in silico prediction for this alteration is inconclusive. Since supporting evidence is limited at this time, the clinical significance of this alteration remains unclear.

Labcorp Genetics (formerly Invitae), Labcorp
Classification: Uncertain significance for Adams-Oliver syndrome 5. Last evaluated: 2021-07-04. Review status: criteria provided, single submitter. Criteria: Invitae Variant Classification Sherloc (09022015). Collection method: clinical testing. Allele origin: germline.
Comment: This sequence change replaces arginine with proline at codon 23 of the NOTCH1 protein (p.Arg23Pro). The arginine residue is highly conserved and there is a moderate physicochemical difference between arginine and proline. This variant is not present in population databases (ExAC no frequency). This variant has not been reported in the literature in individuals with NOTCH1-related conditions. Advanced modeling of protein sequence and biophysical properties (such as structural, functional, and spatial information, amino acid conservation, physicochemical variation, residue mobility, and thermodynamic stability) performed at Invitae indicates that this missense variant is not expected to disrupt NOTCH1 protein function. In summary, the available evidence is currently insufficient to determine the role of this variant in disease. Therefore, it has been classified as a Variant of Uncertain Significance.